The following is an entry in ClinVar:

ClinVar aggregate classification (germline): Uncertain significance. Review status: criteria provided, multiple submitters, no conflicts (2 of 4 stars). 6 submissions from 6 submitters: Uncertain significance (4). 2 of the submissions do not count toward it. Last evaluated 2024-12-18.

Conditions:
MHC class II deficiency 1 (MHC2D1). Also called: Bare lymphocyte syndrome type 2, complementation group A; SCID, HLA CLASS II-NEGATIVE; BARE LYMPHOCYTE SYNDROME, TYPE II, COMPLEMENTATION GROUP A. Identifiers: MedGen C1859534, MONDO:0971005, OMIM 209920.
MHC class II deficiency. Also called: BLS, TYPE II; Bare lymphocyte syndrome 2. Identifiers: Orphanet 572, MedGen C5447452, MONDO:0008855.

Allele frequency attached by ClinVar (database versions not stated): ExAC 0.00007; ESP Exome Variant Server 0.00008; gnomAD exomes 0.00008 and 0.00014; gnomAD 0.00010 and 0.00011; TOPMed 0.00014.
gnomAD v4.1: 230 of 1,614,088 alleles (0.014%); highest among the groups gnomAD compares: African/African-American, 0.021%; no homozygotes.

Submissions (8):

Genomic Medicine Center of Excellence, King Faisal Specialist Hospital and Research Centre
Classification: Uncertain significance for MHC class II deficiency 1. Last evaluated: 2024-12-18. Review status: criteria provided, single submitter. Criteria: ACMG Guidelines, 2015. Collection method: clinical testing. Allele origin: germline.

Labcorp Genetics (formerly Invitae), Labcorp
Classification: Uncertain significance for MHC class II deficiency. Last evaluated: 2024-11-27. Review status: criteria provided, single submitter. Criteria: Invitae Variant Classification Sherloc (09022015). Collection method: clinical testing. Allele origin: germline.
Comment: This sequence change replaces alanine, which is neutral and non-polar, with threonine, which is neutral and polar, at codon 63 of the RFXANK protein (p.Ala63Thr). This variant is present in population databases (rs150525759, gnomAD 0.03%). This variant has not been reported in the literature in individuals affected with RFXANK-related conditions. ClinVar contains an entry for this variant (Variation ID: 567413). An algorithm developed to predict the effect of missense changes on protein structure and function outputs the following: PolyPhen-2: "Benign". The threonine amino acid residue is found in multiple mammalian species, which suggests that this missense change does not adversely affect protein function. Algorithms developed to predict the effect of sequence changes on RNA splicing suggest that this variant may disrupt the consensus splice site. In summary, the available evidence is currently insufficient to determine the role of this variant in disease. Therefore, it has been classified as a Variant of Uncertain Significance.

Blueprint Genetics
Classification: Uncertain significance. Last evaluated: 2024-10-09. Review status: criteria provided, single submitter. Criteria: ACMG Guidelines, 2015. Collection method: clinical testing. Allele origin: germline.

Breakthrough Genomics
Classification: Uncertain significance. Review status: criteria provided, single submitter. Criteria: ACMG Guidelines, 2015. Collection method: not provided. Allele origin: germline. Inheritance: Autosomal dominant inheritance. Affected: yes.

Clinical Genetics DNA and cytogenetics Diagnostics Lab, Erasmus MC, Erasmus Medical Center
Classification: Uncertain significance. Review status: no assertion criteria provided. Collection method: clinical testing. Allele origin: germline. Affected: yes. Study: VKGL Data-share Consensus. Not counted in ClinVar's aggregate classification.

Dr. Peter K. Rogan Lab, Western University
No classification provided (evidence only). Condition: Clear cell carcinoma of kidney. Review status: no classification provided. Collection method: in vitro. Allele origin: not applicable. Functional consequence: skipped exon, retained intron. Not counted in ClinVar's aggregate classification.

Dr. Peter K. Rogan Lab, Western University
No classification provided (evidence only). Condition: Cervical cancer. Review status: no classification provided. Collection method: in vitro. Allele origin: not applicable. Functional consequence: retained intron. Not counted in ClinVar's aggregate classification.

Joint Genome Diagnostic Labs from Nijmegen and Maastricht, Radboudumc and MUMC+
Classification: Uncertain significance. Review status: no assertion criteria provided. Collection method: clinical testing. Allele origin: germline. Affected: yes. Study: VKGL Data-share Consensus. Not counted in ClinVar's aggregate classification.

NM_003721.4(RFXANK):c.187G>A (p.Ala63Thr)

Gene: RFXANK (regulatory factor X associated ankyrin containing protein; plus strand). Cytogenetic location: 19p13.11.
Variant type: single nucleotide variant.
Coding change: c.187G>A on transcript NM_003721.4 (MANE Select); coding-DNA position 187, G replaced by A.
Protein change: p.Ala63Thr; replaces alanine 63 with threonine.
Molecular consequence: missense variant.
Genome position (GRCh38, 1-based): chr19:19,194,133, G>A. VCF-style: chr19-19194133-G-A. GRCh37 (hg19) VCF-style: chr19-19304942-G-A.
Other names: c.187G>A, p.Ala63Thr (NM_001278727.2, NM_001370233.1, NM_001370234.1 and 1 more transcripts); c.187G>A, p.Gly63Ser (NM_001278728.2, NM_001370235.1, NM_001370236.1 and 2 more transcripts); short protein forms A63T, G63S.
Identifiers: ClinVar variation 567413 (VCV000567413.15), dbSNP rs150525759, ClinGen allele CA9322609.